The following is an entry in ClinVar:

ClinVar aggregate classification (germline): Uncertain significance. Review status: criteria provided, multiple submitters, no conflicts (2 of 4 stars). 6 submissions from 6 submitters: Uncertain significance (5). 1 of the submissions does not count toward it. Last evaluated 2025-08-29.

Conditions:
Inborn genetic diseases. Identifiers: MedGen C0950123, MeSH D030342.
Charcot-Marie-Tooth disease dominant intermediate B (CMTDIB). Also called: CHARCOT-MARIE-TOOTH NEUROPATHY, DOMINANT INTERMEDIATE B; Charcot-Marie-Tooth disease dominant intermediate 1; CMT DI1; Charcot-Marie-Tooth disease dominant intermediate I. Identifiers: Orphanet 100044, Orphanet 228179, MedGen C1847902, MONDO:0011674, OMIM 606482.

Allele frequency attached by ClinVar (database versions not stated): ExAC 0.00001; gnomAD exomes 0.00002; TOPMed 0.00004; gnomAD 0.00005.
gnomAD v4.1: 74 of 1,614,022 alleles (0.0046%); highest among the groups gnomAD compares: Non-Finnish European, 0.0058%; no homozygotes.

Submissions (6):

Mayo Clinic Laboratories, Mayo Clinic
Classification: Uncertain significance. Last evaluated: 2025-08-29. Review status: criteria provided, single submitter. Criteria: ACMG Guidelines, 2015. Collection method: clinical testing. Allele origin: germline. Observed: 1 variant allele.
Comment: PP3_moderate

Labcorp Genetics (formerly Invitae), Labcorp
Classification: Uncertain significance for Charcot-Marie-Tooth disease dominant intermediate B. Last evaluated: 2025-06-09. Review status: criteria provided, single submitter. Criteria: Invitae Variant Classification Sherloc (09022015). Collection method: clinical testing. Allele origin: germline.
Comment: This sequence change replaces arginine, which is basic and polar, with tryptophan, which is neutral and slightly polar, at codon 290 of the DNM2 protein (p.Arg290Trp). This variant is present in population databases (rs587778235, gnomAD 0.004%). This missense change has been observed in individual(s) with distal hereditary neuropathy (PMID: 33369814). ClinVar contains an entry for this variant (Variation ID: 133980). Invitae Evidence Modeling of protein sequence and biophysical properties (such as structural, functional, and spatial information, amino acid conservation, physicochemical variation, residue mobility, and thermodynamic stability) has been performed for this missense variant. However, the output from this modeling did not meet the statistical confidence thresholds required to predict the impact of this variant on DNM2 protein function. In summary, the available evidence is currently insufficient to determine the role of this variant in disease. Therefore, it has been classified as a Variant of Uncertain Significance.

Ambry Genetics
Classification: Uncertain significance for Inborn genetic diseases. Last evaluated: 2021-11-02. Review status: criteria provided, single submitter. Criteria: Ambry Variant Classification Scheme 2023. Collection method: clinical testing. Allele origin: germline.
Comment: The p.R290W variant (also known as c.868C>T), located in coding exon 7 of the DNM2 gene, results from a C to T substitution at nucleotide position 868. The arginine at codon 290 is replaced by tryptophan, an amino acid with dissimilar properties. This amino acid position is highly conserved in available vertebrate species. In addition, this alteration is predicted to be deleterious by in silico analysis. Since supporting evidence is limited at this time, the clinical significance of this alteration remains unclear.

Revvity Omics, Revvity
Classification: Uncertain significance. Last evaluated: 2019-03-21. Review status: criteria provided, single submitter. Criteria: ACMG Guidelines, 2015. Collection method: clinical testing. Allele origin: germline.

GeneDx
Classification: Uncertain significance. Last evaluated: 2016-11-01. Review status: criteria provided, single submitter. Criteria: GeneDx Variant Classification (06012015). Collection method: clinical testing. Allele origin: germline. Affected: yes.
Comment: A variant of uncertain significance has been identified in the DNM2 gene. The R290W variant has not been published as a pathogenic variant, nor has it been reported as a benign variant to our knowledge. The R290W variant is not observed at a significant frequency in large population cohorts (Lek et al., 2016; 1000 Genomes Consortium et al., 2015; Exome Variant Server). The R290W variant is a non-conservative amino acid substitution, which is likely to impact secondary protein structure as these residues differ in polarity, charge, size and/or other properties. This substitution occurs at a position that is conserved across species. In silico analysis predicts this variant is probably damaging to the protein structure/function. Based on the currently available information, it is unclear whether this variant is a pathogenic variant or a rare benign variant.

ITMI
No classification provided. Condition: AllHighlyPenetrant. Last evaluated: 2013-09-19. Review status: no classification provided. Collection method: reference population. Allele origin: germline. Not counted in ClinVar's aggregate classification.
Comment: Please see associated publication for description of ethnicities

Literature cited by the submitters: PubMed 33369814 (cited by Mayo Clinic Laboratories, Mayo Clinic and Labcorp Genetics (formerly Invitae), Labcorp); PubMed 24728327 (cited by ITMI).

NM_001005361.3(DNM2):c.868C>T (p.Arg290Trp)

Gene: DNM2 (dynamin 2; plus strand). Cytogenetic location: 19p13.2.
Variant type: single nucleotide variant.
Coding change: c.868C>T on transcript NM_001005361.3 (MANE Select); coding-DNA position 868, C replaced by T.
Protein change: p.Arg290Trp; replaces arginine 290 with tryptophan.
Molecular consequence: missense variant.
Genome position (GRCh38, 1-based): chr19:10,786,582, C>T. VCF-style: chr19-10786582-C-T. GRCh37 (hg19) VCF-style: chr19-10897258-C-T.
Other names: p.Arg290Trp; c.868C>T, p.Arg290Trp (NM_001005360.3, NM_001005362.3, NM_001190716.2 and 1 more transcripts); short protein forms R290W.
Identifiers: ClinVar variation 133980 (VCV000133980.18), dbSNP rs587778235, ClinGen allele CA158300.
Genomic context (GRCh38, chr19:10,786,582, plus strand): 5'-TGCCCATGCCACCCTTTCTGATCTCTGACCTCTCTCCTGCAGCAACTGACCAACCACATC[C>T]GGGAGTCGCTGCCGGCCCTACGTAGCAAACTACAGAGCCAGCTGCTGTCCCTGGAGAAGG-3'
Protein context (NP_001005361.1, residues 280-300): TLNQQLTNHI[Arg290Trp]ESLPALRSKL